The following is an entry in ClinVar:

ClinVar aggregate classification (germline): Likely benign (1 of 4 stars; one submission).

Allele frequency attached by ClinVar (database versions not stated): gnomAD exomes 0.00090; gnomAD 0.01059 and 0.01148; 1000 Genomes Project 0.01098; TOPMed 0.01117; 1000 Genomes Project 30x 0.01156.
gnomAD v4.1: 2,930 of 1,560,182 alleles (0.19%); highest among the groups gnomAD compares: African/African-American, 3.5%; 44 homozygotes.

Submission:

GeneDx
Classification: Likely benign. Last evaluated: 2018-06-16. Review status: criteria provided, single submitter. Criteria: GeneDx Variant Classification (06012015). Collection method: clinical testing. Allele origin: germline. Affected: yes.
Comment: This variant is considered likely benign or benign based on one or more of the following criteria: it is a conservative change, it occurs at a poorly conserved position in the protein, it is predicted to be benign by multiple in silico algorithms, and/or has population frequency not consistent with disease.

NM_005751.5(AKAP9):c.9214-68T>A

Gene: AKAP9 (A-kinase anchoring protein 9; plus strand). Cytogenetic location: 7q21.2.
Variant type: single nucleotide variant.
Coding change: c.9214-68T>A on transcript NM_005751.5 (MANE Select); 68 bases into the intron before coding-DNA position 9214, T replaced by A.
Molecular consequence: intron variant.
Genome position (GRCh38, 1-based): chr7:92,089,317, T>A. VCF-style: chr7-92089317-T-A. GRCh37 (hg19) VCF-style: chr7-91718631-T-A.
Other names: c.9190-68T>A (NM_147185.3); c.3859-68T>A (NM_001379277.1).
Identifiers: ClinVar variation 674645 (VCV000674645.1), dbSNP rs75890871, ClinGen allele CA161890233.